The following is an entry in ClinVar:

ClinVar aggregate classification (germline): Uncertain significance (1 of 4 stars; one submission).

Conditions:
Ataxia-telangiectasia syndrome (AT). Also called: Cerebello-oculocutaneous telangiectasia; Immunodeficiency with ataxia telangiectasia; LOUIS-BAR SYNDROME; ATAXIA-TELANGIECTASIA, COMPLEMENTATION GROUP A; ATAXIA-TELANGIECTASIA, FRESNO VARIANT; Ataxia-telangiectasia, complementation group D. Identifiers: Orphanet 100, MedGen C0004135, MONDO:0008840, OMIM 208900.

Allele frequency attached by ClinVar (database versions not stated): gnomAD exomes below 0.00001.

Submission:

Labcorp Genetics (formerly Invitae), Labcorp
Classification: Uncertain significance for Ataxia-telangiectasia syndrome. Last evaluated: 2021-09-07. Review status: criteria provided, single submitter. Criteria: Invitae Variant Classification Sherloc (09022015). Collection method: clinical testing. Allele origin: germline.
Comment: In summary, the available evidence is currently insufficient to determine the role of this variant in disease. Therefore, it has been classified as a Variant of Uncertain Significance. Experimental studies and prediction algorithms are not available or were not evaluated, and the functional significance of this variant is currently unknown. This variant has not been reported in the literature in individuals affected with ATM-related conditions. This variant is not present in population databases (ExAC no frequency). This variant, c.1918_1920del, results in the deletion of 1 amino acid(s) of the ATM protein (p.Lys640del), but otherwise preserves the integrity of the reading frame.

NM_000051.4(ATM):c.1918_1920del (p.Lys640del)

Gene: ATM (ATM serine/threonine kinase; plus strand). Cytogenetic location: 11q22.3.
Variant type: Deletion.
Coding change: c.1918_1920del on transcript NM_000051.4 (MANE Select); coding-DNA positions 1918 to 1920, 3 bases deleted (AAA; older notation c.1918_1920delAAA).
Protein change: p.Lys640del; deletes lysine 640.
Molecular consequence: inframe deletion.
Genome position (GRCh38, 1-based): chr11:108,253,833-108,253,835, AAA deleted. VCF-style (leftmost placement, unchanged base first): chr11-108253832-TAAA-T. GRCh37 (hg19) VCF-style: chr11-108124559-TAAA-T.
Other names: c.1918_1920del, p.Lys640del (NM_001351834.2); short protein forms K640del.
Identifiers: ClinVar variation 1380021 (VCV001380021.6), dbSNP rs2135366155, ClinGen allele CA2573146762.
Genomic context (GRCh38, chr11:108,253,832, plus strand): 5'-TAGGTACTTGGTTTATATATTAAAGATCTTACTTTCTTGAAGTGAACACCACCAAAAAGA[TAAA>T]GAAGAACTTTCATTCTCAGAAGTAGAAGAACTATTTCTTCAGACAACTTTTGACAAGATG-3'